The following is an entry in ClinVar:

NM_004698.4(PRPF3):c.145+4T>A

Gene: PRPF3 (pre-mRNA processing factor 3; plus strand). Cytogenetic location: 1q21.2.
Variant type: single nucleotide variant.
Coding change: c.145+4T>A on transcript NM_004698.4 (MANE Select); 4 bases into the intron after coding-DNA position 145, T replaced by A.
Molecular consequence: intron variant.
Genome position (GRCh38, 1-based): chr1:150,325,091, T>A. VCF-style: chr1-150325091-T-A. GRCh37 (hg19) VCF-style: chr1-150297549-T-A.
Other names: c.-357+4T>A (NM_001350529.1).
Identifiers: ClinVar variation 1963712 (VCV001963712.5), dbSNP rs782165190, ClinGen allele CA1075366.

ClinVar aggregate classification (germline): Uncertain significance (1 of 4 stars; one submission).

Allele frequency attached by ClinVar (database versions not stated): gnomAD exomes 0.00001; ExAC 0.00002.
gnomAD v4.1: 14 of 1,613,046 alleles (0.00087%); highest among the groups gnomAD compares: South Asian, 0.015%; no homozygotes.

Submission:

Labcorp Genetics (formerly Invitae), Labcorp
Classification: Uncertain significance. Last evaluated: 2022-01-16. Review status: criteria provided, single submitter. Criteria: Invitae Variant Classification Sherloc (09022015). Collection method: clinical testing. Allele origin: germline.
Comment: In summary, the available evidence is currently insufficient to determine the role of this variant in disease. Therefore, it has been classified as a Variant of Uncertain Significance. Variants that disrupt the consensus splice site are a relatively common cause of aberrant splicing (PMID: 17576681, 9536098). Algorithms developed to predict the effect of sequence changes on RNA splicing suggest that this variant may create or strengthen a splice site. This variant has not been reported in the literature in individuals affected with PRPF3-related conditions. This variant is present in population databases (rs782165190, gnomAD 0.02%). This sequence change falls in intron 2 of the PRPF3 gene. It does not directly change the encoded amino acid sequence of the PRPF3 protein. It affects a nucleotide within the consensus splice site.

Literature cited by the submitters: PubMed 17576681; PubMed 9536098.